The following is an entry in ClinVar:

ClinVar aggregate classification (germline): Benign. Review status: criteria provided, multiple submitters, no conflicts (2 of 4 stars). 4 submissions from 4 submitters: Benign (4). Last evaluated 2026-02-04.

Conditions:
Immunodeficiency-centromeric instability-facial anomalies syndrome 1 (ICF1). Identifiers: Orphanet 2268, MedGen C4551557, MONDO:0009454, OMIM 242860.
Centromeric instability of chromosomes 1,9 and 16 and immunodeficiency (ICF1). Also called: CENTROMERIC INSTABILITY, IMMUNODEFICIENCY SYNDROME; IMMUNE DEFICIENCY, VARIABLE, WITH CENTROMERIC INSTABILITY OF CHROMOSOMES 1, 9, AND 16; IMMUNODEFICIENCY SYNDROME, VARIABLE; Immunodeficiency-centromeric instability-facial anomalies. Identifiers: Orphanet 2268, MedGen C0398788, MONDO:0000133.

Allele frequency attached by ClinVar (database versions not stated): gnomAD exomes 0.00707 and 0.01617; ExAC 0.01849; gnomAD 0.05431 and 0.05837; 1000 Genomes Project 0.05531; 1000 Genomes Project 30x 0.05778; ESP Exome Variant Server 0.06089; TOPMed 0.06222.
gnomAD v4.1: 19,287 of 1,614,076 alleles (1.2%); highest among the groups gnomAD compares: African/African-American, 18%; 1,354 homozygotes.

Submissions (4):

Labcorp Genetics (formerly Invitae), Labcorp
Classification: Benign for Centromeric instability of chromosomes 1,9 and 16 and immunodeficiency. Last evaluated: 2026-02-04. Review status: criteria provided, single submitter. Criteria: Invitae Variant Classification Sherloc (09022015). Collection method: clinical testing. Allele origin: germline.

Mayo Clinic Laboratories, Mayo Clinic
Classification: Benign. Last evaluated: 2022-09-06. Review status: criteria provided, single submitter. Criteria: ACMG Guidelines, 2015. Collection method: clinical testing. Allele origin: germline. Observed: 5 variant alleles.

Illumina Laboratory Services, Illumina
Classification: Benign for Immunodeficiency-centromeric instability-facial anomalies syndrome 1. Last evaluated: 2018-01-13. Review status: criteria provided, single submitter. Criteria: ICSL Variant Classification Criteria 13 December 2019. Collection method: clinical testing. Allele origin: germline.
Comment: This variant was observed in the ICSL laboratory as part of a predisposition screen in an ostensibly healthy population. It had not been previously curated by ICSL or reported in the Human Gene Mutation Database (HGMD: prior to June 1st, 2018), and was therefore a candidate for classification through an automated scoring system. Utilizing variant allele frequency, disease prevalence and penetrance estimates, and inheritance mode, an automated score was calculated to assess if this variant is too frequent to cause the disease. Based on the score and internal cut-off values, a variant classified as benign is not then subjected to further curation. The score for this variant resulted in a classification of benign for this disease.

Breakthrough Genomics
Classification: Benign. Review status: criteria provided, single submitter. Criteria: ACMG Guidelines, 2015. Collection method: not provided. Allele origin: germline. Inheritance: Autosomal recessive inheritance. Affected: yes.

NM_006892.4(DNMT3B):c.1881C>T (p.Asp627=)

Gene: DNMT3B (DNA methyltransferase 3 beta; plus strand). Cytogenetic location: 20q11.21.
Variant type: single nucleotide variant.
Coding change: c.1881C>T on transcript NM_006892.4 (MANE Select); coding-DNA position 1881, C replaced by T.
Protein change: p.Asp627=; no amino-acid change (aspartic acid 627 retained).
Molecular consequence: synonymous variant.
Genome position (GRCh38, 1-based): chr20:32,800,274, C>T. VCF-style: chr20-32800274-C-T. GRCh37 (hg19) VCF-style: chr20-31388080-C-T.
Other names: p.Asp627=; c.1695C>T, p.Asp565= (NM_001207055.2); c.1593C>T, p.Asp531= (NM_001207056.2); c.1821C>T, p.Asp607= (NM_175848.2, NM_175849.2); c.1857C>T, p.Asp619= (NM_175850.3).
Identifiers: ClinVar variation 338179 (VCV000338179.16), dbSNP rs17123657, ClinGen allele CA9810735.